The following is an entry in ClinVar:

NM_003049.4(SLC10A1):c.994G>C (p.Gly332Arg)

Gene: SLC10A1 (solute carrier family 10 member 1; minus strand). Cytogenetic location: 14q24.1.
Variant type: single nucleotide variant.
Coding change: c.994G>C on transcript NM_003049.4 (MANE Select); coding-DNA position 994, G replaced by C.
Protein change: p.Gly332Arg; replaces glycine 332 with arginine.
Molecular consequence: missense variant.
Genome position (GRCh38, 1-based): chr14:69,776,338, C>G on the plus strand (G>C on the coding strand, the complement: SLC10A1 is on the minus strand). VCF-style: chr14-69776338-C-G. GRCh37 (hg19) VCF-style: chr14-70243055-C-G.
Other names: p.Gly332Arg; c.994G>C (NM_003049.3); short protein forms G332R.
Identifiers: ClinVar variation 593911 (VCV000593911.8), dbSNP rs201537069, ClinGen allele CA7245875.

ClinVar aggregate classification (germline): Uncertain significance. Review status: criteria provided, multiple submitters, no conflicts (2 of 4 stars). 3 submissions from 3 submitters: Uncertain significance (2). 1 of the submissions does not count toward it. Last evaluated 2023-05-11.

Conditions:
SLC10A1-related disorder. Also called: SLC10A1-related condition.

Allele frequency attached by ClinVar (database versions not stated): gnomAD exomes 0.00005 and 0.00014; ExAC 0.00012; ESP Exome Variant Server 0.00015; gnomAD 0.00036 and 0.00039; TOPMed 0.00055.
gnomAD v4.1: 134 of 1,613,768 alleles (0.0083%); highest among the groups gnomAD compares: African/African-American, 0.17%; no homozygotes.

Submissions (3):

Mayo Clinic Laboratories, Mayo Clinic
Classification: Uncertain significance. Last evaluated: 2023-05-11. Review status: criteria provided, single submitter. Criteria: ACMG Guidelines, 2015. Collection method: clinical testing. Allele origin: germline. Observed: 1 variant allele.
Comment: BP4, PM2

Eurofins Ntd Llc (ga)
Classification: Uncertain significance. Last evaluated: 2017-09-01. Review status: criteria provided, single submitter. Criteria: EGL Classification Definitions 2015. Collection method: clinical testing. Allele origin: germline. Observed: 2 variant alleles, 2 heterozygotes.

PreventionGenetics, part of Exact Sciences
Classification: Likely benign for SLC10A1-related condition. Last evaluated: 2022-08-08. Review status: no assertion criteria provided. Collection method: clinical testing. Allele origin: germline. Not counted in ClinVar's aggregate classification.
Comment: This variant is classified as likely benign based on ACMG/AMP sequence variant interpretation guidelines (Richards et al. 2015 PMID: 25741868, with internal and published modifications).